The following is an entry in ClinVar:

NM_001005361.3(DNM2):c.453C>T (p.Asp151=)

Gene: DNM2 (dynamin 2; plus strand). Cytogenetic location: 19p13.2.
Variant type: single nucleotide variant.
Coding change: c.453C>T on transcript NM_001005361.3 (MANE Select); coding-DNA position 453, C replaced by T.
Protein change: p.Asp151=; no amino-acid change (aspartic acid 151 retained).
Molecular consequence: synonymous variant.
Genome position (GRCh38, 1-based): chr19:10,775,770, C>T. VCF-style: chr19-10775770-C-T. GRCh37 (hg19) VCF-style: chr19-10886446-C-T.
Other names: c.453C>T, p.Asp151= (NM_001005360.3, NM_001005362.3, NM_001190716.2 and 1 more transcripts).
Identifiers: ClinVar variation 695353 (VCV000695353.12), dbSNP rs201681441, ClinGen allele CA9200800.

ClinVar aggregate classification (germline): Likely benign. Review status: criteria provided, multiple submitters, no conflicts (2 of 4 stars). 3 submissions from 3 submitters: Likely benign (3). Last evaluated 2026-08-01.

Conditions:
DNM2-related disorder. Also called: DNM2-related condition.
Charcot-Marie-Tooth disease dominant intermediate B (CMTDIB). Also called: CHARCOT-MARIE-TOOTH NEUROPATHY, DOMINANT INTERMEDIATE B; Charcot-Marie-Tooth disease dominant intermediate 1; CMT DI1; Charcot-Marie-Tooth disease dominant intermediate I. Identifiers: Orphanet 100044, Orphanet 228179, MedGen C1847902, MONDO:0011674, OMIM 606482.

Allele frequency attached by ClinVar (database versions not stated): ExAC 0.00001; gnomAD exomes 0.00002; gnomAD 0.00003 and 0.00004; TOPMed 0.00003.
gnomAD v4.1: 44 of 1,614,056 alleles (0.0027%); highest among the groups gnomAD compares: Middle Eastern, 0.016%; no homozygotes.

Submissions (3):

CeGaT Center for Human Genetics Tuebingen
Classification: Likely benign. Last evaluated: 2026-08-01. Review status: criteria provided, single submitter. Criteria: CeGaT Center For Human Genetics Tuebingen Variant Classification Criteria Version 2. Collection method: clinical testing. Allele origin: germline. Affected: yes. Observed: 1 variant allele.
Comment: DNM2: BP4, BP7

Labcorp Genetics (formerly Invitae), Labcorp
Classification: Likely benign for Charcot-Marie-Tooth disease dominant intermediate B. Last evaluated: 2025-11-11. Review status: criteria provided, single submitter. Criteria: Invitae Variant Classification Sherloc (09022015). Collection method: clinical testing. Allele origin: germline.

PreventionGenetics, part of Exact Sciences
Classification: Likely benign for DNM2-related condition. Last evaluated: 2025-03-26. Review status: criteria provided, single submitter. Criteria: ACMG Guidelines, 2015. Collection method: clinical testing. Allele origin: germline.
Comment: This variant is classified as likely benign based on ACMG/AMP sequence variant interpretation guidelines (Richards et al. 2015 PMID: 25741868, with internal and published modifications).